The following is an entry in ClinVar:

ClinVar aggregate classification (germline): Uncertain significance (1 of 4 stars; one submission).

Conditions:
Immunodeficiency, common variable, 10. Also called: IMMUNODEFICIENCY, COMMON VARIABLE, WITH CENTRAL ADRENAL INSUFFICIENCY; DEFICIT IN ANTERIOR PITUITARY FUNCTION AND VARIABLE IMMUNODEFICIENCY. Identifiers: MedGen C3809991, MONDO:0014260, OMIM 615577.

Allele frequency attached by ClinVar (database versions not stated): ExAC below 0.00001; TOPMed 0.00001; gnomAD exomes 0.00002.
gnomAD v4.1: 5 of 1,519,982 alleles (0.00033%); highest among the groups gnomAD compares: Middle Eastern, 0.038%; no homozygotes.

Submission:

Labcorp Genetics (formerly Invitae), Labcorp
Classification: Uncertain significance for Immunodeficiency, common variable, 10. Last evaluated: 2023-06-16. Review status: criteria provided, single submitter. Criteria: Invitae Variant Classification Sherloc (09022015). Collection method: clinical testing. Allele origin: germline.
Comment: This sequence change replaces alanine, which is neutral and non-polar, with valine, which is neutral and non-polar, at codon 421 of the NFKB2 protein (p.Ala421Val). The frequency data for this variant in the population databases is considered unreliable, as metrics indicate poor data quality at this position in the gnomAD database. This variant has not been reported in the literature in individuals affected with NFKB2-related conditions. ClinVar contains an entry for this variant (Variation ID: 579056). Algorithms developed to predict the effect of missense changes on protein structure and function output the following: SIFT: "Not Available"; PolyPhen-2: "Benign"; Align-GVGD: "Not Available". The valine amino acid residue is found in multiple mammalian species, which suggests that this missense change does not adversely affect protein function. In summary, the available evidence is currently insufficient to determine the role of this variant in disease. Therefore, it has been classified as a Variant of Uncertain Significance.

NM_001322934.2(NFKB2):c.1262C>T (p.Ala421Val)

Genes: NFKB2 (nuclear factor kappa B subunit 2; plus strand), LOC130004599 (ATAC-STARR-seq lymphoblastoid silent region 2756; plus strand). Cytogenetic location: 10q24.32.
Variant type: single nucleotide variant.
Coding change: c.1262C>T on transcript NM_001322934.2 (MANE Select); coding-DNA position 1262, C replaced by T.
Protein change: p.Ala421Val; replaces alanine 421 with valine.
Molecular consequence: missense variant.
Genome position (GRCh38, 1-based): chr10:102,399,432, C>T. VCF-style: chr10-102399432-C-T. GRCh37 (hg19) VCF-style: chr10-104159189-C-T.
Other names: c.1262C>T, p.Ala421Val (LRG_1347t1, NM_001077494.3, NM_001261403.3 and 2 more transcripts); c.1136C>T, p.Ala379Val (NM_001322935.1); short protein forms A421V, A379V.
Identifiers: ClinVar variation 579056 (VCV000579056.11), dbSNP rs780831146, ClinGen allele CA5664785.